The following is an entry in ClinVar:

NM_001040664.3(PPAN-P2RY11):c.2004G>A (p.Ala668=)

Genes: P2RY11 (purinergic receptor P2Y11; plus strand), PPAN-P2RY11 (PPAN-P2RY11 readthrough; plus strand). Cytogenetic location: 19p13.2.
Variant type: single nucleotide variant.
Coding change: c.2004G>A on transcript NM_001040664.3; coding-DNA position 2004, G replaced by A.
Protein change: p.Ala668=; no amino-acid change (alanine 668 retained).
Molecular consequence: synonymous variant. On other transcripts: 3 prime UTR variant (1).
Genome position (GRCh38, 1-based): chr19:10,114,357, G>A. VCF-style: chr19-10114357-G-A. GRCh37 (hg19) VCF-style: chr19-10225033-G-A.
Other names: c.744G>A, p.Ala248= (NM_002566.5); c.*503G>A (NM_001198690.2).
Identifiers: ClinVar variation 3047680 (VCV003047680.2), dbSNP rs376693285, ClinGen allele CA9186552.
Genomic context (GRCh38, chr19:10,114,357, plus strand): 5'-CGGGCGGGCCGTGCTACGCAGCCCAGGCATGACTGTGGCCGAGAAGCTGCGTGTGGCAGC[G>A]TTGGTGGCCAGTGGTGTGGCCCTCTACGCCAGCTCCTATGTGCCCTACCACATCATGCGG-3'

ClinVar aggregate classification (germline): Likely benign (0 of 4 stars; one submission).

Conditions:
PPAN-P2RY11-related disorder. Also called: PPAN-P2RY11-related condition.

Allele frequency attached by ClinVar (database versions not stated): gnomAD 0.00003; TOPMed 0.00003; ExAC 0.00004; gnomAD exomes 0.00006; ESP Exome Variant Server 0.00008; 1000 Genomes Project 0.00020; 1000 Genomes Project 30x 0.00031.
gnomAD v4.1: 91 of 1,604,798 alleles (0.0057%); highest among the groups gnomAD compares: Middle Eastern, 0.033%; no homozygotes.

Submission:

PreventionGenetics, part of Exact Sciences
Classification: Likely benign for PPAN-P2RY11-related condition. Last evaluated: 2019-02-21. Review status: no assertion criteria provided. Collection method: clinical testing. Allele origin: germline.
Comment: This variant is classified as likely benign based on ACMG/AMP sequence variant interpretation guidelines (Richards et al. 2015 PMID: 25741868, with internal and published modifications).